The following is an entry in ClinVar:

NM_006180.6(NTRK2):c.1429T>A (p.Ser477Thr)

Gene: NTRK2 (neurotrophic receptor tyrosine kinase 2; plus strand). Cytogenetic location: 9q21.33.
Variant type: single nucleotide variant.
Coding change: c.1429T>A on transcript NM_006180.6 (MANE Select); coding-DNA position 1429, T replaced by A.
Protein change: p.Ser477Thr; replaces serine 477 with threonine.
Molecular consequence: missense variant. On other transcripts: intron variant (7).
Genome position (GRCh38, 1-based): chr9:84,861,072, T>A. VCF-style: chr9-84861072-T-A. GRCh37 (hg19) VCF-style: chr9-87475987-T-A.
Other names: c.1361-6171T>A (NM_001369534.1); c.1397-6171T>A (NM_001018064.3, NM_001369538.1, NM_001369532.1 and 2 more transcripts); c.929-6171T>A (NM_001369535.1); c.1429T>A, p.Ser477Thr (NM_001018065.2, NM_001369537.1, NM_001381928.1); c.961T>A, p.Ser321Thr (NM_001369536.1); short protein forms S321T, S477T.
Identifiers: ClinVar variation 1878576 (VCV001878576.6), dbSNP rs2490206240, ClinGen allele CA374010512.

ClinVar aggregate classification (germline): Uncertain significance. Review status: criteria provided, multiple submitters, no conflicts (2 of 4 stars). 2 submissions from 2 submitters: Uncertain significance (2). Last evaluated 2022-08-03.

Conditions:
Developmental and epileptic encephalopathy, 58. Also called: EPILEPTIC ENCEPHALOPATHY, EARLY INFANTILE, 58. Identifiers: MedGen C4693367, MONDO:0033367, OMIM 617830.

Allele frequency attached by ClinVar (database versions not stated): gnomAD exomes below 0.00001.
gnomAD v4.1: 2 of 1,613,336 alleles (0.00012%); highest among the groups gnomAD compares: South Asian, 0.0022%; no homozygotes.

Submissions (2):

Labcorp Genetics (formerly Invitae), Labcorp
Classification: Uncertain significance. Last evaluated: 2022-08-03. Review status: criteria provided, single submitter. Criteria: Invitae Variant Classification Sherloc (09022015). Collection method: clinical testing. Allele origin: germline.
Comment: In summary, the available evidence is currently insufficient to determine the role of this variant in disease. Therefore, it has been classified as a Variant of Uncertain Significance. Advanced modeling of protein sequence and biophysical properties (such as structural, functional, and spatial information, amino acid conservation, physicochemical variation, residue mobility, and thermodynamic stability) performed at Invitae indicates that this missense variant is expected to disrupt NTRK2 protein function. This variant has not been reported in the literature in individuals affected with NTRK2-related conditions. This variant is not present in population databases (gnomAD no frequency). This sequence change replaces serine, which is neutral and polar, with threonine, which is neutral and polar, at codon 477 of the NTRK2 protein (p.Ser477Thr).

Neuberg Centre For Genomic Medicine, NCGM
Classification: Uncertain significance for Developmental and epileptic encephalopathy, 58. Review status: criteria provided, single submitter. Criteria: ACMG Guidelines, 2015. Collection method: clinical testing. Allele origin: germline. Affected: yes.
Comment: The missense variant p.S477T in NTRK2 (NM_006180.6) has not been reported previously as a pathogenic variant nor as a benign variant, to our knowledge. The p.S477T variant is novel (not in any individuals) in gnomAD Exomes and is novel (not in any individuals) in 1000 Genomes. There is a small physicochemical difference between serine and threonine, which is not likely to impact secondary protein structure as these residues share similar properties. In silico tools predict the variant to be tolerated. The residue is conserved across species. The amino acid change p.Ser477Thr in NTRK2 is predicted as conserved by GERP++ and PhyloP across 100 vertebrates. For these reasons, this variant has been classified as Uncertain Significance.